The following is an entry in ClinVar:

NM_181426.2(CCDC39):c.2366C>T (p.Thr789Met)

Genes: CCDC39 (coiled-coil domain 39 molecular ruler complex subunit; minus strand), TTC14 (tetratricopeptide repeat domain 14; plus strand). Cytogenetic location: 3q26.33.
Variant type: single nucleotide variant.
Coding change: c.2366C>T on transcript NM_181426.2 (MANE Select); coding-DNA position 2366, C replaced by T.
Protein change: p.Thr789Met; replaces threonine 789 with methionine.
Molecular consequence: missense variant. On other transcripts: intron variant (1).
Genome position (GRCh38, 1-based): chr3:180,616,866, G>A on the plus strand (C>T on the coding strand, the complement: CCDC39 is on the minus strand). VCF-style: chr3-180616866-G-A. GRCh37 (hg19) VCF-style: chr3-180334654-G-A.
Other names: c.1775-514G>A (NM_001288582.2); short protein forms T789M.
Identifiers: ClinVar variation 1412392 (VCV001412392.8), dbSNP rs747000468, ClinGen allele CA2715699.

ClinVar aggregate classification (germline): Uncertain significance. Review status: criteria provided, multiple submitters, no conflicts (2 of 4 stars). 3 submissions from 3 submitters: Uncertain significance (3). Last evaluated 2025-12-03.

Conditions:
Primary ciliary dyskinesia. Also called: Ciliary dyskinesia. Identifiers: Orphanet 244, MedGen C0008780, MONDO:0016575, HP:0012265.

Allele frequency attached by ClinVar (database versions not stated): gnomAD 0.00003; gnomAD exomes 0.00006 and 0.00004; TOPMed 0.00003; ExAC 0.00011.
gnomAD v4.1: 58 of 1,605,346 alleles (0.0036%); highest among the groups gnomAD compares: Middle Eastern, 0.033%; no homozygotes.

Submissions (3):

Labcorp Genetics (formerly Invitae), Labcorp
Classification: Uncertain significance for Primary ciliary dyskinesia. Last evaluated: 2025-12-03. Review status: criteria provided, single submitter. Criteria: Invitae Variant Classification Sherloc (09022015). Collection method: clinical testing. Allele origin: germline.
Comment: This sequence change replaces threonine, which is neutral and polar, with methionine, which is neutral and non-polar, at codon 789 of the CCDC39 protein (p.Thr789Met). This variant is present in population databases (rs747000468, gnomAD 0.01%). This variant has not been reported in the literature in individuals affected with CCDC39-related conditions. ClinVar contains an entry for this variant (Variation ID: 1412392). An algorithm developed to predict the effect of missense changes on protein structure and function (PolyPhen-2) suggests that this variant is likely to be tolerated. In summary, the available evidence is currently insufficient to determine the role of this variant in disease. Therefore, it has been classified as a Variant of Uncertain Significance.

Ambry Genetics
Classification: Uncertain significance for Primary ciliary dyskinesia. Last evaluated: 2025-08-11. Review status: criteria provided, single submitter. Criteria: Ambry Variant Classification Scheme 2023. Collection method: clinical testing. Allele origin: germline.

Blueprint Genetics
Classification: Uncertain significance. Last evaluated: 2024-09-09. Review status: criteria provided, single submitter. Criteria: ACMG Guidelines, 2015. Collection method: clinical testing. Allele origin: germline.